The following is an entry in ClinVar:

ClinVar aggregate classification (germline): Benign/Likely benign. Review status: criteria provided, multiple submitters, no conflicts (2 of 4 stars). 4 submissions from 4 submitters: Benign (1); Likely benign (2). 1 of the submissions does not count toward it. Last evaluated 2026-01-26.

Conditions:
GUSB-related disorder. Also called: GUSB-related condition.
Mucopolysaccharidosis type 7 (MPS7). Also called: BETA-GLUCURONIDASE DEFICIENCY; GUSB DEFICIENCY; SLY SYNDROME; MPS VII. Identifiers: Orphanet 584, MedGen C0085132, MONDO:0009662, OMIM 253220.

Allele frequency attached by ClinVar (database versions not stated): gnomAD exomes 0.00029 and 0.00072; ExAC 0.00084; ESP Exome Variant Server 0.00185; gnomAD 0.00202 and 0.00208; TOPMed 0.00233; 1000 Genomes Project 0.00300; 1000 Genomes Project 30x 0.00328.
gnomAD v4.1: 734 of 1,614,130 alleles (0.045%); highest among the groups gnomAD compares: African/African-American, 0.7%; 5 homozygotes.

Submissions (4):

Labcorp Genetics (formerly Invitae), Labcorp
Classification: Benign for Mucopolysaccharidosis type 7. Last evaluated: 2026-01-26. Review status: criteria provided, single submitter. Criteria: Invitae Variant Classification Sherloc (09022015). Collection method: clinical testing. Allele origin: germline.

Mayo Clinic Laboratories, Mayo Clinic
Classification: Likely benign. Last evaluated: 2025-04-29. Review status: criteria provided, single submitter. Criteria: ACMG Guidelines, 2015. Collection method: clinical testing. Allele origin: germline. Observed: 5 variant alleles.
Comment: BP4, BP7

Blueprint Genetics
Classification: Likely benign. Last evaluated: 2024-11-21. Review status: criteria provided, single submitter. Criteria: ACMG Guidelines, 2015. Collection method: clinical testing. Allele origin: germline.

PreventionGenetics, part of Exact Sciences
Classification: Likely benign for GUSB-related condition. Last evaluated: 2024-08-08. Review status: no assertion criteria provided. Collection method: clinical testing. Allele origin: germline. Not counted in ClinVar's aggregate classification.
Comment: This variant is classified as likely benign based on ACMG/AMP sequence variant interpretation guidelines (Richards et al. 2015 PMID: 25741868, with internal and published modifications).

NM_000181.4(GUSB):c.1359G>A (p.Ala453=)

Gene: GUSB (glucuronidase beta; minus strand). Cytogenetic location: 7q11.21.
Variant type: single nucleotide variant.
Coding change: c.1359G>A on transcript NM_000181.4 (MANE Select); coding-DNA position 1359, G replaced by A.
Protein change: p.Ala453=; no amino-acid change (alanine 453 retained).
Molecular consequence: synonymous variant. On other transcripts: non-coding transcript variant (1).
Genome position (GRCh38, 1-based): chr7:65,974,327, C>T on the plus strand (G>A on the coding strand, the complement: GUSB is on the minus strand). VCF-style: chr7-65974327-C-T. GRCh37 (hg19) VCF-style: chr7-65439314-C-T.
Other names: p.Ala453=; c.921G>A, p.Ala307= (NM_001284290.2); c.789G>A, p.Ala263= (NM_001293104.2); c.702G>A, p.Ala234= (NM_001293105.2).
Identifiers: ClinVar variation 702262 (VCV000702262.13), dbSNP rs118066970, ClinGen allele CA4276298.